The following is an entry in ClinVar:

NM_003743.5(NCOA1):c.3552C>T (p.Thr1184=)

Gene: NCOA1 (nuclear receptor coactivator 1; plus strand). Cytogenetic location: 2p23.3.
Variant type: single nucleotide variant.
Coding change: c.3552C>T on transcript NM_003743.5 (MANE Select); coding-DNA position 3552, C replaced by T.
Protein change: p.Thr1184=; no amino-acid change (threonine 1184 retained).
Molecular consequence: synonymous variant.
Genome position (GRCh38, 1-based): chr2:24,742,032, C>T. VCF-style: chr2-24742032-C-T. GRCh37 (hg19) VCF-style: chr2-24964901-C-T.
Other names: c.3552C>T, p.Thr1184= (NM_001362950.1, NM_001362952.1, NM_001362954.1 and 3 more transcripts).
Identifiers: ClinVar variation 3355011 (VCV003355011.1).
Genomic context (GRCh38, chr2:24,742,032, plus strand): 5'-ACAGCAATTCCCCTATCCACCAAACTATGGTACAAATCCAGGAACCCCACCTGCTTCTAC[C>T]AGCCCGTTTTCACAACTAGCAGCAAATCCTGAAGCATCCTTGGCCAACCGCAACAGCATG-3'
Protein context (NP_003734.3, residues 1174-1194): GTNPGTPPAS[Thr1184=]SPFSQLAANP

ClinVar aggregate classification (germline): Likely benign (0 of 4 stars; one submission).

Conditions:
NCOA1-related disorder. Also called: NCOA1-related condition.

gnomAD v4.1: 8 of 1,614,096 alleles (0.0005%); highest among the groups gnomAD compares: Non-Finnish European, 0.00068%; no homozygotes.

Submission:

PreventionGenetics, part of Exact Sciences
Classification: Likely benign for NCOA1-related condition. Last evaluated: 2021-11-04. Review status: no assertion criteria provided. Collection method: clinical testing. Allele origin: germline.
Comment: This variant is classified as likely benign based on ACMG/AMP sequence variant interpretation guidelines (Richards et al. 2015 PMID: 25741868, with internal and published modifications).